The following is an entry in ClinVar:

ClinVar aggregate classification (germline): Likely pathogenic (1 of 4 stars; one submission).

Conditions:
Leber congenital amaurosis (LCA). Also called: Leber's amaurosis. Identifiers: Orphanet 65, MedGen C0339527, MeSH D057130, MONDO:0018998.

Submission:

Natera, Inc.
Classification: Likely pathogenic for Leber congenital amaurosis. Last evaluated: 2024-02-23. Review status: criteria provided, single submitter. Criteria: Natera Variant Classification Schema (03/2026). Collection method: clinical testing. Allele origin: germline.
Comment: The c.3929delG variant in CRB1 is a frameshift variant predicted to shift the reading frame beginning at codon 1310 and leads to a stop codon 31 codons downstream. This variant is expected to result in nonsense mediated decay, truncation, or a dysfunctional protein product. This variant is rare in the general population with a frequency below the threshold expected for the associated phenotype(s). Given the available evidence, this variant is classified as Likely Pathogenic.

NM_201253.3(CRB1):c.3929del (p.Gly1310fs)

Gene: CRB1 (crumbs cell polarity complex component 1; plus strand). Cytogenetic location: 1q31.3.
Variant type: Deletion.
Coding change: c.3929del on transcript NM_201253.3 (MANE Select); coding-DNA position 3929, one base deleted (G; older notation c.3929delG).
Protein change: p.Gly1310fs; shifts the reading frame from glycine 1310.
Molecular consequence: frameshift variant. On other transcripts: non-coding transcript variant (2).
Genome position (GRCh38, 1-based): chr1:197,442,216, G deleted; the last of 2 consecutive G bases (chr1:197,442,215-197,442,216); deleting either gives the same sequence. VCF-style (leftmost placement, unchanged base first): chr1-197442214-AG-A. GRCh37 (hg19) VCF-style: chr1-197411344-AG-A.
Other names: c.3593del, p.Gly1198fs (NM_001193640.2); c.3857del, p.Gly1286fs (NM_001257965.2); c.2321del, p.Gly774fs (NM_001257966.2); short protein forms G1198fs, G1286fs, G1310fs, G774fs.
Identifiers: ClinVar variation 4817061 (VCV004817061.1).